The following is an entry in ClinVar:

NM_005876.5(SPEG):c.2479G>A (p.Asp827Asn)

Gene: SPEG (striated muscle enriched protein kinase; plus strand). Cytogenetic location: 2q35.
Variant type: single nucleotide variant.
Coding change: c.2479G>A on transcript NM_005876.5 (MANE Select); coding-DNA position 2479, G replaced by A.
Protein change: p.Asp827Asn; replaces aspartic acid 827 with asparagine.
Molecular consequence: missense variant. On other transcripts: 5 prime UTR variant (1).
Genome position (GRCh38, 1-based): chr2:219,461,920, G>A. VCF-style: chr2-219461920-G-A. GRCh37 (hg19) VCF-style: chr2-220326642-G-A.
Other names: c.-69G>A (NM_001173476.2); short protein forms D827N.
Identifiers: ClinVar variation 2180662 (VCV002180662.3), dbSNP rs750590589, ClinGen allele CA2125853.
Genomic context (GRCh38, chr2:219,461,920, plus strand): 5'-AGCTATCTCTGTCTCTCTCCAGGTGGGTCTACATCCCCTTTCAGCAGCCCCATCACCTCC[G>A]ACGAGGAATACCTGAGCCCCCCAGAGGAGTTCCCAGAGCCTGGGGAGACCTGGCCGCGAA-3'
Protein context (NP_005867.3, residues 817-837): TSPFSSPITS[Asp827Asn]EEYLSPPEEF

ClinVar aggregate classification (germline): Uncertain significance (1 of 4 stars; one submission).

Allele frequency attached by ClinVar (database versions not stated): TOPMed below 0.00001; gnomAD 0.00001; gnomAD exomes 0.00001; ExAC 0.00002.

Submission:

Labcorp Genetics (formerly Invitae), Labcorp
Classification: Uncertain significance. Last evaluated: 2022-03-18. Review status: criteria provided, single submitter. Criteria: Invitae Variant Classification Sherloc (09022015). Collection method: clinical testing. Allele origin: germline.
Comment: This variant has not been reported in the literature in individuals affected with SPEG-related conditions. In summary, the available evidence is currently insufficient to determine the role of this variant in disease. Therefore, it has been classified as a Variant of Uncertain Significance. Algorithms developed to predict the effect of missense changes on protein structure and function are either unavailable or do not agree on the potential impact of this missense change (SIFT: "Deleterious"; PolyPhen-2: "Probably Damaging"; Align-GVGD: "Class C0"). This variant is present in population databases (rs750590589, gnomAD 0.003%). This sequence change replaces aspartic acid, which is acidic and polar, with asparagine, which is neutral and polar, at codon 827 of the SPEG protein (p.Asp827Asn).